The following is an entry in ClinVar:

ClinVar aggregate classification (germline): Likely pathogenic (1 of 4 stars; one submission).

Conditions:
Long QT syndrome 1 (LQT1). Identifiers: Orphanet 101016, Orphanet 768, MedGen C4551647, MONDO:0100316, OMIM 192500, MONDO:0008646.

Submission:

Labcorp Genetics (formerly Invitae), Labcorp
Classification: Likely pathogenic for Long QT syndrome 1. Last evaluated: 2020-03-06. Review status: criteria provided, single submitter. Criteria: Invitae Variant Classification Sherloc (09022015). Collection method: clinical testing. Allele origin: germline.
Comment: This sequence change replaces glycine with serine at codon 133 of the CALM2 protein (p.Gly133Ser). The glycine residue is highly conserved and there is a small physicochemical difference between glycine and serine. This variant is not present in population databases (ExAC no frequency). This variant has been observed in individual(s) with clinical features of long QT syndrome (Invitae). In at least one individual the variant was observed to be de novo. Algorithms developed to predict the effect of missense changes on protein structure and function are either unavailable or do not agree on the potential impact of this missense change (SIFT: "Deleterious"; PolyPhen-2: "Benign"; Align-GVGD: "Class C55"). In summary, the currently available evidence indicates that the variant is pathogenic, but additional data are needed to prove that conclusively. Therefore, this variant has been classified as Likely Pathogenic.

NM_001743.6(CALM2):c.397G>A (p.Gly133Ser)

Gene: CALM2 (calmodulin 2; minus strand). Cytogenetic location: 2p21.
Variant type: single nucleotide variant.
Coding change: c.397G>A on transcript NM_001743.6 (MANE Select); coding-DNA position 397, G replaced by A.
Protein change: p.Gly133Ser; replaces glycine 133 with serine.
Molecular consequence: missense variant.
Genome position (GRCh38, 1-based): chr2:47,161,747, C>T on the plus strand (G>A on the coding strand, the complement: CALM2 is on the minus strand). VCF-style: chr2-47161747-C-T. GRCh37 (hg19) VCF-style: chr2-47388886-C-T.
Other names: c.541G>A, p.Gly181Ser (NM_001305624.1); c.289G>A, p.Gly97Ser (NM_001305625.2, NM_001305626.1); short protein forms G133S, G181S, G97S.
Identifiers: ClinVar variation 1067140 (VCV001067140.48), dbSNP rs2103823599, ClinGen allele CA346719046.